The following is an entry in ClinVar:

ClinVar aggregate classification (germline): Uncertain significance (1 of 4 stars; one submission).

Allele frequency attached by ClinVar (database versions not stated): TOPMed 0.00003; gnomAD 0.00004; gnomAD exomes 0.00014.

Submission:

Labcorp Genetics (formerly Invitae), Labcorp
Classification: Uncertain significance. Last evaluated: 2021-04-23. Review status: criteria provided, single submitter. Criteria: Invitae Variant Classification Sherloc (09022015). Collection method: clinical testing. Allele origin: germline.
Comment: This variant occurs in a non-coding region of the HBB gene. It does not change the encoded amino acid sequence of the HBB protein. The frequency data for this variant in the population databases is considered unreliable, as metrics indicate insufficient coverage at this position in the ExAC database. This variant has not been reported in the literature in individuals with HBB-related disease. Experimental studies and prediction algorithms are not available for this variant, and the functional significance of this non-coding change is currently unknown. In summary, the available evidence is currently insufficient to determine the role of this variant in disease. Therefore, it has been classified as a Variant of Uncertain Significance.

NC_000011.10:g.5227197G>A

Genes: HBB (hemoglobin subunit beta; minus strand), LOC106099062 (HBB recombination region; plus strand), LOC107133510 (origin of replication at HBB; plus strand). Cytogenetic location: 11p15.4.
Variant type: single nucleotide variant.
Genome position: GRCh38 VCF-style: chr11-5227197-G-A. GRCh37 (hg19) VCF-style: chr11-5248427-G-A.
Identifiers: ClinVar variation 2199484 (VCV002199484.2), dbSNP rs866946984, ClinGen allele CA217115887.
Genomic context (GRCh38, chr11:5,227,197, plus strand): 5'-GAGTAGATTGGCCAACCCTAGGGTGTGGCTCCACAGGGTGAGGTCTAAGTGATGACAGCC[G>A]TACCTGTCCTTGGCTCTTCTGGCACTGGCTTAGGAGTTGGACTTCAAACCCTCAGCCCTC-3'